The following is an entry in ClinVar:

NM_002485.5(NBN):c.877A>T (p.Ile293Leu)

Gene: NBN (nibrin; minus strand). Cytogenetic location: 8q21.3.
Variant type: single nucleotide variant.
Coding change: c.877A>T on transcript NM_002485.5 (MANE Select); coding-DNA position 877, A replaced by T.
Protein change: p.Ile293Leu; replaces isoleucine 293 with leucine.
Molecular consequence: missense variant.
Genome position (GRCh38, 1-based): chr8:89,970,383, T>A on the plus strand (A>T on the coding strand, the complement: NBN is on the minus strand). VCF-style: chr8-89970383-T-A. GRCh37 (hg19) VCF-style: chr8-90982611-T-A.
Other names: c.631A>T, p.Ile211Leu (NM_001024688.3); short protein forms I211L, I293L.
Identifiers: ClinVar variation 1764631 (VCV001764631.3), dbSNP rs1283506577, ClinGen allele CA371658254.
Genomic context (GRCh38, chr8:89,970,383, plus strand): 5'-TCCTACTTGCAGTTTTTTACTAATAAAGAATAATTCTATACCTTTGGAGCATATCCATTA[T>A]TGACTGAATCCATTTCTTCTGACAGTCAGGAATTAAGGTCTGTGAGTTTGTTATTCCTGT-3'
Protein context (NP_002476.2, residues 283-303): PDCQKKWIQS[Ile293Leu]MDMLQRQGLR

ClinVar aggregate classification (germline): Uncertain significance (1 of 4 stars; one submission).

Conditions:
Hereditary cancer-predisposing syndrome. Also called: Neoplastic Syndromes, Hereditary; Tumor predisposition; Hereditary Cancer Syndrome; Hereditary neoplastic syndrome. Identifiers: Orphanet 140162, MedGen C0027672, MeSH D009386, MONDO:0015356.

Submission:

Ambry Genetics
Classification: Uncertain significance for Hereditary cancer-predisposing syndrome. Last evaluated: 2024-09-02. Review status: criteria provided, single submitter. Criteria: Ambry Variant Classification Scheme 2023. Collection method: clinical testing. Allele origin: germline.
Comment: The p.I293L variant (also known as c.877A>T), located in coding exon 7 of the NBN gene, results from an A to T substitution at nucleotide position 877. The isoleucine at codon 293 is replaced by leucine, an amino acid with highly similar properties. In one study, this alteration was observed in 1/3236 cases with invasive epithelial ovarian cancer and 3/3431 controls (Ramus SJ et al. J Natl Cancer Inst, 2015 Nov;107). This amino acid position is highly conserved in available vertebrate species. In addition, this alteration is predicted to be tolerated by in silico analysis. Since supporting evidence is limited at this time, the clinical significance of this alteration remains unclear.

Literature cited by the submitters: PubMed 26315354.